The following is an entry in ClinVar:

NM_003803.4(MYOM1):c.3617G>A (p.Gly1206Asp)

Gene: MYOM1 (myomesin 1; minus strand). Cytogenetic location: 18p11.31.
Variant type: single nucleotide variant.
Coding change: c.3617G>A on transcript NM_003803.4 (MANE Select); coding-DNA position 3617, G replaced by A.
Protein change: p.Gly1206Asp; replaces glycine 1206 with aspartic acid.
Molecular consequence: missense variant.
Genome position (GRCh38, 1-based): chr18:3,100,385, C>T on the plus strand (G>A on the coding strand, the complement: MYOM1 is on the minus strand). VCF-style: chr18-3100385-C-T. GRCh37 (hg19) VCF-style: chr18-3100383-C-T.
Other names: c.3329G>A, p.Gly1110Asp (NM_019856.2); short protein forms G1110D, G1206D.
Identifiers: ClinVar variation 1001507 (VCV001001507.8), dbSNP rs911029463, ClinGen allele CA295497707.

ClinVar aggregate classification (germline): Uncertain significance (1 of 4 stars; one submission).

Conditions:
Hypertrophic cardiomyopathy. Also called: HYPERTROPHIC MYOCARDIOPATHY. Identifiers: Orphanet 217569, MedGen C0007194, MeSH D002312, MONDO:0005045, HP:0001639.

Allele frequency attached by ClinVar (database versions not stated): gnomAD exomes below 0.00001; gnomAD 0.00001; TOPMed 0.00002.
gnomAD v4.1: 2 of 1,613,790 alleles (0.00012%); highest among the groups gnomAD compares: African/African-American, 0.0013%; no homozygotes.

Submission:

Labcorp Genetics (formerly Invitae), Labcorp
Classification: Uncertain significance for Hypertrophic cardiomyopathy. Last evaluated: 2022-03-09. Review status: criteria provided, single submitter. Criteria: Invitae Variant Classification Sherloc (09022015). Collection method: clinical testing. Allele origin: germline.
Comment: This sequence change replaces glycine, which is neutral and non-polar, with aspartic acid, which is acidic and polar, at codon 1206 of the MYOM1 protein (p.Gly1206Asp). This variant is present in population databases (no rsID available, gnomAD 0.0009%). In summary, the available evidence is currently insufficient to determine the role of this variant in disease. Therefore, it has been classified as a Variant of Uncertain Significance. Algorithms developed to predict the effect of missense changes on protein structure and function are either unavailable or do not agree on the potential impact of this missense change (SIFT: "Tolerated"; PolyPhen-2: "Probably Damaging"; Align-GVGD: "Class C0"). ClinVar contains an entry for this variant (Variation ID: 1001507). This variant has not been reported in the literature in individuals affected with MYOM1-related conditions.